The following is an entry in ClinVar:

NM_130811.4(SNAP25):c.164-2A>G

Gene: SNAP25 (synaptosome associated protein 25; plus strand). Cytogenetic location: 20p12.2.
Variant type: single nucleotide variant.
Coding change: c.164-2A>G on transcript NM_130811.4 (MANE Select); the canonical splice acceptor site of the intron before coding-DNA position 164, A replaced by G.
Molecular consequence: splice acceptor variant. On other transcripts: intron variant (3).
Genome position (GRCh38, 1-based): chr20:10,293,159, A>G. VCF-style: chr20-10293159-A-G. GRCh37 (hg19) VCF-style: chr20-10273807-A-G.
Other names: c.164-2A>G (NM_001424416.1, NM_001322907.2, NM_001322910.2 and 6 more transcripts); c.281+160A>G (NM_001424415.1, NM_003081.5, NM_001322902.2).
Identifiers: ClinVar variation 4879510 (VCV004879510.1).

ClinVar aggregate classification (germline): Uncertain significance (1 of 4 stars; one submission).

Conditions:
Congenital myasthenic syndrome 18. Also called: MYASTHENIC SYNDROME, CONGENITAL, 18, WITH INTELLECTUAL DISABILITY AND ATAXIA. Identifiers: Orphanet 590, MedGen C4225364, MONDO:0014590, OMIM 616330.

Submission:

Clinical Genomics Laboratory, Washington University in St. Louis
Classification: Uncertain significance for Congenital myasthenic syndrome 18. Last evaluated: 2026-04-05. Review status: criteria provided, single submitter. Criteria: ACMG Guidelines, 2015. Collection method: clinical testing. Allele origin: germline.
Comment: The SNAP25 c.164-2A>G variant has not been reported in the medical literature to our knowledge. This variant is absent from the general population (gnomAD v.4.1.0), indicating it is not a common variant. This variant occurs within a canonical splice acceptor site, which is predicted to cause skipping of exon 5, leading to an out of frame transcript that undergoes nonsense mediated decay. However, computational predictors indicate that the variant may have no impact on splicing, suggesting that this variant does not have a damaging effect on SNAP25 function. Due to limited information, and based on ACMG/AMP guidelines for variant interpretation (Richards S et al., PMID: 25741868), the clinical significance of this variant is uncertain at this time.